The following is an entry in ClinVar:

NM_006182.4(DDR2):c.2397G>C (p.Glu799Asp)

Gene: DDR2 (discoidin domain receptor tyrosine kinase 2; plus strand). Cytogenetic location: 1q23.3.
Variant type: single nucleotide variant.
Coding change: c.2397G>C on transcript NM_006182.4 (MANE Select); coding-DNA position 2397, G replaced by C.
Protein change: p.Glu799Asp; replaces glutamic acid 799 with aspartic acid.
Molecular consequence: missense variant.
Genome position (GRCh38, 1-based): chr1:162,778,693, G>C. VCF-style: chr1-162778693-G-C. GRCh37 (hg19) VCF-style: chr1-162748483-G-C.
Other names: c.2397G>C, p.Glu799Asp (LRG_1390t1, NM_001014796.3, NM_001354982.2 and 1 more transcripts); short protein forms E799D.
Identifiers: ClinVar variation 293383 (VCV000293383.11), dbSNP rs762649297, ClinGen allele CA1217775.

ClinVar aggregate classification (germline): Uncertain significance. Review status: criteria provided, multiple submitters, no conflicts (2 of 4 stars). 3 submissions from 3 submitters: Uncertain significance (3). Last evaluated 2024-06-18.

Conditions:
Spondyloepimetaphyseal dysplasia-short limb-abnormal calcification syndrome (SMED-SL). Also called: SMED, TYPE II; SMED-SL/AC; SMED short limb-hand type; SMED type 2; Spondylometaepiphyseal dysplasia short limb-abnormal calcification type; Smed short limb-abnormal calcification type. Identifiers: Orphanet 93358, MedGen C1849011, MONDO:0010077, OMIM 271665.

Allele frequency attached by ClinVar (database versions not stated): ExAC 0.00003; gnomAD 0.00003; gnomAD exomes 0.00003; TOPMed 0.00004.
gnomAD v4.1: 33 of 1,613,882 alleles (0.002%); highest among the groups gnomAD compares: Non-Finnish European, 0.0027%; no homozygotes.

Submissions (3):

GeneDx
Classification: Uncertain significance. Last evaluated: 2024-06-18. Review status: criteria provided, single submitter. Criteria: GeneDx Variant Classification Process June 2021. Collection method: clinical testing. Allele origin: germline. Affected: yes.
Comment: In silico analysis indicates that this missense variant does not alter protein structure/function; Has not been previously published as pathogenic or benign to our knowledge

Labcorp Genetics (formerly Invitae), Labcorp
Classification: Uncertain significance. Last evaluated: 2022-07-05. Review status: criteria provided, single submitter. Criteria: Invitae Variant Classification Sherloc (09022015). Collection method: clinical testing. Allele origin: germline.
Comment: In summary, the available evidence is currently insufficient to determine the role of this variant in disease. Therefore, it has been classified as a Variant of Uncertain Significance. Algorithms developed to predict the effect of missense changes on protein structure and function (SIFT, PolyPhen-2, Align-GVGD) all suggest that this variant is likely to be disruptive. ClinVar contains an entry for this variant (Variation ID: 293383). This variant has not been reported in the literature in individuals affected with DDR2-related conditions. This variant is present in population databases (rs762649297, gnomAD 0.007%). This sequence change replaces glutamic acid, which is acidic and polar, with aspartic acid, which is acidic and polar, at codon 799 of the DDR2 protein (p.Glu799Asp).

Illumina Laboratory Services, Illumina
Classification: Uncertain significance for Spondyloepimetaphyseal dysplasia-short limb-abnormal calcification syndrome. Last evaluated: 2018-01-12. Review status: criteria provided, single submitter. Criteria: ICSL Variant Classification Criteria 13 December 2019. Collection method: clinical testing. Allele origin: germline.